The following is an entry in ClinVar:

ClinVar aggregate classification (germline): Uncertain significance (1 of 4 stars; one submission).

Conditions:
Epidermolysis bullosa simplex 3, localized or generalized intermediate, with BP230 deficiency (EBS3). Also called: Epidermolysis bullosa simplex, autosomal recessive 2; Epidermolysis bullosa simplex due to BP230 deficiency. Identifiers: Orphanet 412181, MedGen C3809470, MONDO:0014180, OMIM 615425.
Hereditary sensory and autonomic neuropathy type 6. Also called: Neuropathy, hereditary sensory and autonomic, type VI; HSAN VI. Identifiers: Orphanet 314381, MedGen C3539003, MONDO:0013839, OMIM 614653.

Allele frequency attached by ClinVar (database versions not stated): gnomAD exomes below 0.00001.
gnomAD v4.1: 2 of 1,587,094 alleles (0.00013%); highest among the groups gnomAD compares: Non-Finnish European, 0.00017%; no homozygotes.

Submission:

Labcorp Genetics (formerly Invitae), Labcorp
Classification: Uncertain significance for Epidermolysis bullosa simplex 3, localized or generalized intermediate, with BP230 deficiency; Hereditary sensory and autonomic neuropathy type 6. Last evaluated: 2019-09-28. Review status: criteria provided, single submitter. Criteria: Invitae Variant Classification Sherloc (09022015). Collection method: clinical testing. Allele origin: germline.
Comment: In summary, the available evidence is currently insufficient to determine the role of this variant in disease. Therefore, it has been classified as a Variant of Uncertain Significance. Algorithms developed to predict the effect of missense changes on protein structure and function are either unavailable or do not agree on the potential impact of this missense change (SIFT: "Deleterious"; PolyPhen-2: "Not Available"; Align-GVGD: "Class C0"). This variant has not been reported in the literature in individuals with DST-related conditions. This variant is not present in population databases (ExAC no frequency). This sequence change replaces leucine with serine at codon 3259 of the DST protein (p.Leu3259Ser). The leucine residue is weakly conserved and there is a large physicochemical difference between leucine and serine. The DST gene has multiple clinically relevant transcripts. The p.Leu3259Ser variant occurs in alternate transcript NM_015548.4, which corresponds to c.*86641T>C in NM_001723.5, the primary transcript listed in the Methods.

NM_001374736.1(DST):c.17645T>C (p.Leu5882Ser)

Gene: DST (dystonin; minus strand). Cytogenetic location: 6p12.1.
Variant type: single nucleotide variant.
Coding change: c.17645T>C on transcript NM_001374736.1 (MANE Select); coding-DNA position 17645, T replaced by C.
Protein change: p.Leu5882Ser; replaces leucine 5882 with serine.
Molecular consequence: missense variant.
Genome position (GRCh38, 1-based): chr6:56,528,876, A>G on the plus strand (T>C on the coding strand, the complement: DST is on the minus strand). VCF-style: chr6-56528876-A-G. GRCh37 (hg19) VCF-style: chr6-56393674-A-G.
Other names: c.11288T>C, p.Leu3763Ser (NM_001144769.5); c.10874T>C, p.Leu3625Ser (NM_001144770.2); c.17645T>C, p.Leu5882Ser (NM_001374722.1); c.16685T>C, p.Leu5562Ser (NM_001374729.1); c.10427T>C, p.Leu3476Ser (NM_001374730.1); c.17672T>C, p.Leu5891Ser (NM_001374734.1); c.9776T>C, p.Leu3259Ser (NM_015548.5); c.10754T>C, p.Leu3585Ser (NM_183380.4); short protein forms L3259S, L3476S, L3585S, L3763S, L5562S, L5891S, L3625S, L5882S.
Identifiers: ClinVar variation 971040 (VCV000971040.8), dbSNP rs2096847724, ClinGen allele CA364507350.